The following is an entry in ClinVar:

ClinVar aggregate classification (germline): Uncertain significance (1 of 4 stars; one submission).

Submission:

Labcorp Genetics (formerly Invitae), Labcorp
Classification: Uncertain significance. Last evaluated: 2025-03-10. Review status: criteria provided, single submitter. Criteria: Invitae Variant Classification Sherloc (09022015). Collection method: clinical testing. Allele origin: germline.
Comment: This sequence change replaces glutamine, which is neutral and polar, with arginine, which is basic and polar, at codon 73 of the SSR4 protein (p.Gln73Arg). This variant is not present in population databases (gnomAD no frequency). This variant has not been reported in the literature in individuals affected with SSR4-related conditions. ClinVar contains an entry for this variant (Variation ID: 1513215). Experimental studies and prediction algorithms are not available or were not evaluated, and the functional significance of this variant is currently unknown. In summary, the available evidence is currently insufficient to determine the role of this variant in disease. Therefore, it has been classified as a Variant of Uncertain Significance.

NM_006280.3(SSR4):c.185A>G (p.Gln62Arg)

Gene: SSR4 (signal sequence receptor subunit 4; plus strand). Cytogenetic location: Xq28.
Variant type: single nucleotide variant.
Coding change: c.185A>G on transcript NM_006280.3 (MANE Select); coding-DNA position 185, A replaced by G.
Protein change: p.Gln62Arg; replaces glutamine 62 with arginine.
Molecular consequence: missense variant.
Genome position (GRCh38, 1-based): chrX:153,796,551, A>G. VCF-style: chrX-153796551-A-G. GRCh37 (hg19) VCF-style: chrX-153062006-A-G.
Other names: c.218A>G, p.Gln73Arg (NM_001204526.2); c.209A>G, p.Gln70Arg (NM_001204527.2); short protein forms Q70R, Q73R, Q62R.
Identifiers: ClinVar variation 1513215 (VCV001513215.8), dbSNP rs2148450040, ClinGen allele CA415186367.